The following is an entry in ClinVar:

NM_006270.5(RRAS):c.95T>A (p.Leu32Gln)

Gene: RRAS (RAS related; minus strand). Cytogenetic location: 19q13.33.
Variant type: single nucleotide variant.
Coding change: c.95T>A on transcript NM_006270.5 (MANE Select); coding-DNA position 95, T replaced by A.
Protein change: p.Leu32Gln; replaces leucine 32 with glutamine.
Molecular consequence: missense variant.
Genome position (GRCh38, 1-based): chr19:49,640,004, A>T on the plus strand (T>A on the coding strand, the complement: RRAS is on the minus strand). VCF-style: chr19-49640004-A-T. GRCh37 (hg19) VCF-style: chr19-50143261-A-T.
Other names: short protein forms L32Q.
Identifiers: ClinVar variation 2564297 (VCV002564297.2), dbSNP rs2513709577, ClinGen allele CA406849668.

ClinVar aggregate classification (germline): Uncertain significance (1 of 4 stars; one submission).

Submission:

Ambry Genetics
Classification: Uncertain significance. Last evaluated: 2023-05-01. Review status: criteria provided, single submitter. Criteria: Ambry Variant Classification Scheme 2023. Collection method: clinical testing. Allele origin: germline.
Comment: The p.L32Q variant (also known as c.95T>A), located in coding exon 1 of the RRAS gene, results from a T to A substitution at nucleotide position 95. The leucine at codon 32 is replaced by glutamine, an amino acid with dissimilar properties. This amino acid position is conserved. In addition, this alteration is predicted to be deleterious by in silico analysis. Since supporting evidence is limited at this time, the clinical significance of this alteration remains unclear.